The following is an entry in ClinVar:

ClinVar aggregate classification (germline): Uncertain significance. Review status: criteria provided, multiple submitters, no conflicts (2 of 4 stars). 2 submissions from 2 submitters: Uncertain significance (2). Last evaluated 2025-05-06.

Allele frequency attached by ClinVar (database versions not stated): gnomAD 0.00002; TOPMed 0.00003; ESP Exome Variant Server 0.00015.
gnomAD v4.1: 63 of 1,614,056 alleles (0.0039%); highest among the groups gnomAD compares: Non-Finnish European, 0.0052%; no homozygotes.

Submissions (2):

Labcorp Genetics (formerly Invitae), Labcorp
Classification: Uncertain significance. Last evaluated: 2025-05-06. Review status: criteria provided, single submitter. Criteria: Invitae Variant Classification Sherloc (09022015). Collection method: clinical testing. Allele origin: germline.
Comment: This sequence change replaces proline, which is neutral and non-polar, with leucine, which is neutral and non-polar, at codon 358 of the MCM4 protein (p.Pro358Leu). This variant is present in population databases (rs200218998, gnomAD 0.007%). This variant has not been reported in the literature in individuals affected with MCM4-related conditions. ClinVar contains an entry for this variant (Variation ID: 1356799). Invitae Evidence Modeling of protein sequence and biophysical properties (such as structural, functional, and spatial information, amino acid conservation, physicochemical variation, residue mobility, and thermodynamic stability) indicates that this missense variant is not expected to disrupt MCM4 protein function with a negative predictive value of 80%. In summary, the available evidence is currently insufficient to determine the role of this variant in disease. Therefore, it has been classified as a Variant of Uncertain Significance.

Ambry Genetics
Classification: Uncertain significance. Last evaluated: 2025-01-26. Review status: criteria provided, single submitter. Criteria: Ambry Variant Classification Scheme 2023. Collection method: clinical testing. Allele origin: germline.

NM_182746.3(MCM4):c.1073C>T (p.Pro358Leu)

Gene: MCM4 (minichromosome maintenance complex component 4; plus strand). Cytogenetic location: 8q11.21.
Variant type: single nucleotide variant.
Coding change: c.1073C>T on transcript NM_182746.3 (MANE Select); coding-DNA position 1073, C replaced by T.
Protein change: p.Pro358Leu; replaces proline 358 with leucine.
Molecular consequence: missense variant.
Genome position (GRCh38, 1-based): chr8:47,967,384, C>T. VCF-style: chr8-47967384-C-T. GRCh37 (hg19) VCF-style: chr8-48879944-C-T.
Other names: c.1073C>T, p.Pro358Leu (NM_005914.4); c.1073C>T (NM_005914.3); short protein forms P358L.
Identifiers: ClinVar variation 1356799 (VCV001356799.8), dbSNP rs200218998, ClinGen allele CA4742514.